The following is an entry in ClinVar:

ClinVar aggregate classification (germline): Pathogenic (1 of 4 stars; one submission).

Conditions:
Seizures, benign familial neonatal, 1. Also called: Benign Neonatal Epilepsy 1; Seizures, benign neonatal, 1; KCNQ2-Related Benign Familial Neonatal Epilepsy; KCNQ2-Related Self-Limited Familial Neonatal Epilepsy (SLFNE). Identifiers: Orphanet 1949, MedGen C3149074, MONDO:0007365, OMIM 121200.

Submission:

Institute of Human Genetics, University of Leipzig Medical Center
Classification: Pathogenic for Seizures, benign familial neonatal, 1. Last evaluated: 2024-12-12. Review status: criteria provided, single submitter. Criteria: ACMG Guidelines, 2015. Collection method: clinical testing. Allele origin: paternal. Inheritance: Autosomal dominant inheritance. Affected: yes.
Comment: Criteria applied: PVS1,PM2

NM_172107.4(KCNQ2):c.1756C>T (p.Gln586Ter)

Gene: KCNQ2 (potassium voltage-gated channel subfamily Q member 2; minus strand). Cytogenetic location: 20q13.33.
Variant type: single nucleotide variant.
Coding change: c.1756C>T on transcript NM_172107.4 (MANE Select); coding-DNA position 1756, C replaced by T.
Protein change: p.Gln586Ter; replaces glutamine 586 with a stop codon.
Molecular consequence: nonsense.
Genome position (GRCh38, 1-based): chr20:63,413,457, G>A on the plus strand (C>T on the coding strand, the complement: KCNQ2 is on the minus strand). VCF-style: chr20-63413457-G-A. GRCh37 (hg19) VCF-style: chr20-62044810-G-A.
Other names: c.1702C>T, p.Gln568Ter (NM_001382235.1, NM_172106.3); c.1672C>T, p.Gln558Ter (NM_004518.6); c.1663C>T, p.Gln555Ter (NM_172108.5); short protein forms Q586*, Q568*, Q555*, Q558*.
Identifiers: ClinVar variation 3572903 (VCV003572903.2).